The following is an entry in ClinVar:

ClinVar aggregate classification (germline): Likely pathogenic (1 of 4 stars; one submission).

Conditions:
Snijders blok-fisher syndrome. Identifiers: Orphanet 656135, MedGen C5231424, MONDO:0032830, OMIM 618604.

Submission:

Laboratorio de Genética, Hospital Universitario Reina Sofía
Classification: Likely pathogenic for Snijders blok-fisher syndrome. Review status: criteria provided, single submitter. Criteria: ACMG Guidelines, 2015. Collection method: clinical testing. Allele origin: de novo. Inheritance: Autosomal dominant inheritance. Affected: yes. Observed: 1 heterozygote.
Comment: This variant is classified as Likely Pathogenic according to the ACMG guidelines, as it meets the PP3 (multiple lines of computational evidence support a deleterious effect on the gene or gene product), PM1 (located in a mutational hot spot and/or critical and well-established functional domain without benign variation), and PM2 (Absent from controls (or at extremely low frequency if recessive) in Exome Sequencing Project, 1000 Genomes Project, or Exome Aggregation Consortium) criteria. The variant was identified as de novo, not inherited from either parent.

NM_006236.3(POU3F3):c.1370G>C (p.Arg457Pro)

Gene: POU3F3 (POU class 3 homeobox 3; plus strand). Cytogenetic location: 2q12.1.
Variant type: single nucleotide variant.
Coding change: c.1370G>C on transcript NM_006236.3 (MANE Select); coding-DNA position 1370, G replaced by C.
Protein change: p.Arg457Pro; replaces arginine 457 with proline.
Molecular consequence: missense variant.
Genome position (GRCh38, 1-based): chr2:104,856,880, G>C. VCF-style: chr2-104856880-G-C. GRCh37 (hg19) VCF-style: chr2-105473338-G-C.
Other names: short protein forms R457P.
Identifiers: ClinVar variation 3906149 (VCV003906149.1).